The following is an entry in ClinVar:

NM_022489.4(INF2):c.1582C>G (p.Pro528Ala)

Gene: INF2 (inverted formin 2; plus strand). Cytogenetic location: 14q32.33.
Variant type: single nucleotide variant.
Coding change: c.1582C>G on transcript NM_022489.4 (MANE Select); coding-DNA position 1582, C replaced by G.
Protein change: p.Pro528Ala; replaces proline 528 with alanine.
Molecular consequence: missense variant.
Genome position (GRCh38, 1-based): chr14:104,707,849, C>G. VCF-style: chr14-104707849-C-G. GRCh37 (hg19) VCF-style: chr14-105174186-C-G.
Other names: c.1582C>G, p.Pro528Ala (NM_001031714.4); short protein forms P528A.
Identifiers: ClinVar variation 935822 (VCV000935822.13), dbSNP rs181694819, ClinGen allele CA7372596.

ClinVar aggregate classification (germline): Conflicting classifications of pathogenicity. Review status: criteria provided, conflicting classifications (1 of 4 stars). 4 submissions from 4 submitters: Uncertain significance (3); Likely benign (1). Last evaluated 2025-03-11.

Conditions:
Charcot-Marie-Tooth disease dominant intermediate E. Also called: CHARCOT-MARIE-TOOTH NEUROPATHY WITH FOCAL SEGMENTAL GLOMERULONEPHRITIS. Identifiers: Orphanet 93114, MedGen C4302667, MONDO:0013758, OMIM 614455.
Focal segmental glomerulosclerosis 5 (FSGS5). Identifiers: Orphanet 656, MedGen C2750475, MONDO:0013191, OMIM 613237.
Inborn genetic diseases. Identifiers: MedGen C0950123, MeSH D030342.

Allele frequency attached by ClinVar (database versions not stated): TOPMed 0.00002.
gnomAD v4.1: 139 of 1,604,592 alleles (0.0087%); highest among the groups gnomAD compares: Middle Eastern, 0.016%; no homozygotes.

Submissions (4):

Labcorp Genetics (formerly Invitae), Labcorp
Classification: Likely benign for Charcot-Marie-Tooth disease dominant intermediate E; Focal segmental glomerulosclerosis 5. Last evaluated: 2025-03-11. Review status: criteria provided, single submitter. Criteria: Invitae Variant Classification Sherloc (09022015). Collection method: clinical testing. Allele origin: germline.

GeneDx
Classification: Uncertain significance. Last evaluated: 2024-09-07. Review status: criteria provided, single submitter. Criteria: GeneDx Variant Classification Process June 2021. Collection method: clinical testing. Allele origin: germline. Affected: yes.
Comment: In silico analysis supports that this missense variant has a deleterious effect on protein structure/function; Has not been previously published as pathogenic or benign to our knowledge

Ambry Genetics
Classification: Uncertain significance for Inborn genetic diseases. Last evaluated: 2023-02-08. Review status: criteria provided, single submitter. Criteria: Ambry Variant Classification Scheme 2023. Collection method: clinical testing. Allele origin: germline.

Fulgent Genetics
Classification: Uncertain significance for Focal segmental glomerulosclerosis 5; Charcot-Marie-Tooth disease dominant intermediate E. Last evaluated: 2021-08-23. Review status: criteria provided, single submitter. Criteria: ACMG Guidelines, 2015. Collection method: clinical testing. Allele origin: unknown.